The following is an entry in ClinVar:

ClinVar aggregate classification (germline): Uncertain significance (1 of 4 stars; one submission).

Allele frequency attached by ClinVar (database versions not stated): gnomAD exomes 0.00001.
gnomAD v4.1: 9 of 1,614,046 alleles (0.00056%); highest among the groups gnomAD compares: East Asian, 0.0022%; no homozygotes.

Submission:

CeGaT Center for Human Genetics Tuebingen
Classification: Uncertain significance. Last evaluated: 2024-05-01. Review status: criteria provided, single submitter. Criteria: CeGaT Center For Human Genetics Tuebingen Variant Classification Criteria Version 2. Collection method: clinical testing. Allele origin: germline. Affected: yes. Observed: 2 variant alleles.
Comment: HECW2: PP3

NM_001348768.2(HECW2):c.3129G>A (p.Ala1043=)

Gene: HECW2 (HECT, C2 and WW domain containing E3 ubiquitin protein ligase 2; minus strand). Cytogenetic location: 2q32.3.
Variant type: single nucleotide variant.
Coding change: c.3129G>A on transcript NM_001348768.2 (MANE Select); coding-DNA position 3129, G replaced by A.
Protein change: p.Ala1043=; no amino-acid change (alanine 1043 retained).
Molecular consequence: synonymous variant.
Genome position (GRCh38, 1-based): chr2:196,278,534, C>T on the plus strand (G>A on the coding strand, the complement: HECW2 is on the minus strand). VCF-style: chr2-196278534-C-T. GRCh37 (hg19) VCF-style: chr2-197143258-C-T.
Other names: c.2061G>A, p.Ala687= (NM_001304840.3); c.3129G>A, p.Ala1043= (NM_020760.4).
Identifiers: ClinVar variation 3239391 (VCV003239391.19), dbSNP rs1212609807.